The following is an entry in ClinVar:

ClinVar aggregate classification (germline): Likely benign. Review status: criteria provided, multiple submitters, no conflicts (2 of 4 stars). 4 submissions from 4 submitters: Likely benign (3). 1 of the submissions does not count toward it. Last evaluated 2026-02-02.

Conditions:
LRP2-related disorder. Also called: LRP2-related condition.

Allele frequency attached by ClinVar (database versions not stated): gnomAD 0.00010; ExAC 0.00011; ESP Exome Variant Server 0.00015; gnomAD exomes 0.00008.
gnomAD v4.1: 201 of 1,614,002 alleles (0.012%); highest among the groups gnomAD compares: Non-Finnish European, 0.015%; no homozygotes.

Submissions (4):

Labcorp Genetics (formerly Invitae), Labcorp
Classification: Likely benign. Last evaluated: 2026-02-02. Review status: criteria provided, single submitter. Criteria: Invitae Variant Classification Sherloc (09022015). Collection method: clinical testing. Allele origin: germline.

Blueprint Genetics
Classification: Likely benign. Last evaluated: 2024-10-09. Review status: criteria provided, single submitter. Criteria: ACMG Guidelines, 2015. Collection method: clinical testing. Allele origin: germline.

CeGaT Center for Human Genetics Tuebingen
Classification: Likely benign. Last evaluated: 2023-01-01. Review status: criteria provided, single submitter. Criteria: CeGaT Center For Human Genetics Tuebingen Variant Classification Criteria Version 2. Collection method: clinical testing. Allele origin: germline. Affected: yes. Observed: 1 variant allele.
Comment: LRP2: BP4, BP7

PreventionGenetics, part of Exact Sciences
Classification: Likely benign for LRP2-related condition. Last evaluated: 2024-04-03. Review status: no assertion criteria provided. Collection method: clinical testing. Allele origin: germline. Not counted in ClinVar's aggregate classification.
Comment: This variant is classified as likely benign based on ACMG/AMP sequence variant interpretation guidelines (Richards et al. 2015 PMID: 25741868, with internal and published modifications).

NM_004525.3(LRP2):c.13269C>T (p.Thr4423=)

Gene: LRP2 (LDL receptor related protein 2; minus strand). Cytogenetic location: 2q31.1.
Variant type: single nucleotide variant.
Coding change: c.13269C>T on transcript NM_004525.3 (MANE Select); coding-DNA position 13269, C replaced by T.
Protein change: p.Thr4423=; no amino-acid change (threonine 4423 retained).
Molecular consequence: synonymous variant.
Genome position (GRCh38, 1-based): chr2:169,139,370, G>A on the plus strand (C>T on the coding strand, the complement: LRP2 is on the minus strand). VCF-style: chr2-169139370-G-A. GRCh37 (hg19) VCF-style: chr2-169995880-G-A.
Other names: c.13269C>T (NM_004525.2).
Identifiers: ClinVar variation 1562740 (VCV001562740.32), dbSNP rs370978040, ClinGen allele CA1952584.
Genomic context (GRCh38, chr2:169,139,370, plus strand): 5'-TGCAATTGCCAGAGCTCCAATTACGACGATCAAGAGGATTGTCAACAGCACAGCTACTGC[G>A]GCTATAGAAGAAGATAGCAGAGAGCACATCAACACATGGGAGCCCGCAATCCTGGCAGAA-3'
Protein context (NP_004516.2, residues 4413-4433): AFSKGISPGT[Thr4423=]AVAVLLTILL